The following is an entry in ClinVar:

ClinVar aggregate classification (germline): Uncertain significance (1 of 4 stars; one submission).

gnomAD v4.1: 15 of 1,614,132 alleles (0.00093%); highest among the groups gnomAD compares: Non-Finnish European, 0.0012%; no homozygotes.

Submission:

Labcorp Genetics (formerly Invitae), Labcorp
Classification: Uncertain significance. Last evaluated: 2024-07-08. Review status: criteria provided, single submitter. Criteria: Invitae Variant Classification Sherloc (09022015). Collection method: clinical testing. Allele origin: germline.
Comment: This sequence change replaces serine, which is neutral and polar, with phenylalanine, which is neutral and non-polar, at codon 29 of the ARHGEF1 protein (p.Ser29Phe). This variant is present in population databases (no rsID available, gnomAD 0.003%). This variant has not been reported in the literature in individuals affected with ARHGEF1-related conditions. An algorithm developed to predict the effect of missense changes on protein structure and function (PolyPhen-2) suggests that this variant is likely to be tolerated. In summary, the available evidence is currently insufficient to determine the role of this variant in disease. Therefore, it has been classified as a Variant of Uncertain Significance.

NM_004706.4(ARHGEF1):c.41C>T (p.Ser14Phe)

Gene: ARHGEF1 (Rho guanine nucleotide exchange factor 1; plus strand). Cytogenetic location: 19q13.2.
Variant type: single nucleotide variant.
Coding change: c.41C>T on transcript NM_004706.4 (MANE Select); coding-DNA position 41, C replaced by T.
Protein change: p.Ser14Phe; replaces serine 14 with phenylalanine.
Molecular consequence: missense variant. On other transcripts: non-coding transcript variant (2).
Genome position (GRCh38, 1-based): chr19:41,888,208, C>T. VCF-style: chr19-41888208-C-T. GRCh37 (hg19) VCF-style: chr19-42392279-C-T.
Other names: c.41C>T, p.Ser14Phe (NM_001396000.1, NM_001396002.1, NM_001396003.1 and 3 more transcripts); c.86C>T, p.Ser29Phe (NM_199002.2); short protein forms S14F, S29F.
Identifiers: ClinVar variation 3654802 (VCV003654802.2).